The following is an entry in ClinVar:

NM_006214.4(PHYH):c.70G>T (p.Ala24Ser)

Genes: PHYH (phytanoyl-CoA 2-hydroxylase; minus strand), LOC130003374 (ATAC-STARR-seq lymphoblastoid silent region 2152; plus strand). Cytogenetic location: 10p13.
Variant type: single nucleotide variant.
Coding change: c.70G>T on transcript NM_006214.4 (MANE Select); coding-DNA position 70, G replaced by T.
Protein change: p.Ala24Ser; replaces alanine 24 with serine.
Molecular consequence: missense variant.
Genome position (GRCh38, 1-based): chr10:13,299,973, C>A on the plus strand (G>T on the coding strand, the complement: PHYH is on the minus strand). VCF-style: chr10-13299973-C-A. GRCh37 (hg19) VCF-style: chr10-13341973-C-A.
Other names: c.70G>T, p.Ala24Ser (NM_001323082.2, NM_001323083.2); short protein forms A24S.
Identifiers: ClinVar variation 2171805 (VCV002171805.1), dbSNP rs781426377, ClinGen allele CA5412509.

ClinVar aggregate classification (germline): Uncertain significance (1 of 4 stars; one submission).

Allele frequency attached by ClinVar (database versions not stated): gnomAD 0.00001; gnomAD exomes 0.00001; ExAC 0.00009.

Submission:

Labcorp Genetics (formerly Invitae), Labcorp
Classification: Uncertain significance. Last evaluated: 2022-03-09. Review status: criteria provided, single submitter. Criteria: Invitae Variant Classification Sherloc (09022015). Collection method: clinical testing. Allele origin: germline.
Comment: This sequence change replaces alanine, which is neutral and non-polar, with serine, which is neutral and polar, at codon 24 of the PHYH protein (p.Ala24Ser). The frequency data for this variant in the population databases is considered unreliable, as metrics indicate poor data quality at this position in the gnomAD database. This variant has not been reported in the literature in individuals affected with PHYH-related conditions. Algorithms developed to predict the effect of missense changes on protein structure and function (SIFT, PolyPhen-2, Align-GVGD) all suggest that this variant is likely to be tolerated. Algorithms developed to predict the effect of sequence changes on RNA splicing suggest that this variant may create or strengthen a splice site. In summary, the available evidence is currently insufficient to determine the role of this variant in disease. Therefore, it has been classified as a Variant of Uncertain Significance.